The following is an entry in ClinVar:

ClinVar aggregate classification (germline): Conflicting classifications of pathogenicity. Review status: criteria provided, conflicting classifications (1 of 4 stars). 5 submissions from 5 submitters: Uncertain significance (3); Likely benign (1). 1 of the submissions does not count toward it. Last evaluated 2025-10-27.

Conditions:
Congenital lactic acidosis, Saguenay-Lac-Saint-Jean type (MC4DN5). Also called: CYTOCHROME c OXIDASE DEFICIENCY, FRENCH CANADIAN TYPE; COX DEFICIENCY, FRENCH CANADIAN TYPE; MITOCHONDRIAL COMPLEX IV DEFICIENCY, NUCLEAR TYPE 5. Identifiers: Orphanet 70472, MedGen C1857355, MONDO:0009069, OMIM 220111.

Allele frequency attached by ClinVar (database versions not stated): gnomAD 0.00009; TOPMed 0.00009; gnomAD exomes 0.00012 and 0.00014; ExAC 0.00013; ESP Exome Variant Server 0.00015.
gnomAD v4.1: 182 of 1,609,364 alleles (0.011%); highest among the groups gnomAD compares: South Asian, 0.037%; no homozygotes.

Submissions (5):

Labcorp Genetics (formerly Invitae), Labcorp
Classification: Uncertain significance. Last evaluated: 2025-10-27. Review status: criteria provided, single submitter. Criteria: Invitae Variant Classification Sherloc (09022015). Collection method: clinical testing. Allele origin: germline.
Comment: This sequence change replaces alanine, which is neutral and non-polar, with threonine, which is neutral and polar, at codon 1196 of the LRPPRC protein (p.Ala1196Thr). This variant is present in population databases (rs142097048, gnomAD 0.04%). This variant has not been reported in the literature in individuals affected with LRPPRC-related conditions. ClinVar contains an entry for this variant (Variation ID: 336149). Invitae Evidence Modeling of protein sequence and biophysical properties (such as structural, functional, and spatial information, amino acid conservation, physicochemical variation, residue mobility, and thermodynamic stability) indicates that this missense variant is expected to disrupt LRPPRC protein function with a positive predictive value of 80%. In summary, the available evidence is currently insufficient to determine the role of this variant in disease. Therefore, it has been classified as a Variant of Uncertain Significance.

3billion
Classification: Likely benign for Congenital lactic acidosis, Saguenay-Lac-Saint-Jean type. Last evaluated: 2024-09-20. Review status: criteria provided, single submitter. Criteria: ACMG Guidelines, 2015. Collection method: clinical testing. Allele origin: germline. Affected: no.
Comment: The homozygous variant was found in patients diagnosed with another variant in a different gene, with no symptoms related to the gene containing the homozygous variant.

GeneDx
Classification: Uncertain significance. Last evaluated: 2022-04-25. Review status: criteria provided, single submitter. Criteria: GeneDx Variant Classification Process June 2021. Collection method: clinical testing. Allele origin: germline. Affected: yes.
Comment: In silico analysis supports that this missense variant does not alter protein structure/function; Has not been previously published as pathogenic or benign to our knowledge

Illumina Laboratory Services, Illumina
Classification: Uncertain significance for Congenital lactic acidosis, Saguenay-Lac-Saint-Jean type. Last evaluated: 2018-01-13. Review status: criteria provided, single submitter. Criteria: ICSL Variant Classification Criteria 13 December 2019. Collection method: clinical testing. Allele origin: germline.

Natera, Inc.
Classification: Uncertain significance for French-Canadian type Leigh syndrome. Last evaluated: 2019-10-28. Review status: no assertion criteria provided. Collection method: clinical testing. Allele origin: germline. Not counted in ClinVar's aggregate classification.

NM_133259.4(LRPPRC):c.3586G>A (p.Ala1196Thr)

Gene: LRPPRC (leucine rich pentatricopeptide repeat containing; minus strand). Cytogenetic location: 2p21.
Variant type: single nucleotide variant.
Coding change: c.3586G>A on transcript NM_133259.4 (MANE Select); coding-DNA position 3586, G replaced by A.
Protein change: p.Ala1196Thr; replaces alanine 1196 with threonine.
Molecular consequence: missense variant.
Genome position (GRCh38, 1-based): chr2:43,899,589, C>T on the plus strand (G>A on the coding strand, the complement: LRPPRC is on the minus strand). VCF-style: chr2-43899589-C-T. GRCh37 (hg19) VCF-style: chr2-44126728-C-T.
Other names: short protein forms A1196T.
Identifiers: ClinVar variation 336149 (VCV000336149.15), dbSNP rs142097048, ClinGen allele CA1638018.